The following is an entry in ClinVar:

ClinVar aggregate classification (germline): Uncertain significance (1 of 4 stars; one submission).

Conditions:
LAMA2-related muscular dystrophy (LAMA2-RD). Also called: Laminin alpha 2-related dystrophy. Identifiers: MedGen C5679788, MONDO:0100228.

Allele frequency attached by ClinVar (database versions not stated): gnomAD exomes below 0.00001.
gnomAD v4.1: 5 of 1,614,110 alleles (0.00031%); highest among the groups gnomAD compares: Non-Finnish European, 0.00034%; no homozygotes.

Submission:

Labcorp Genetics (formerly Invitae), Labcorp
Classification: Uncertain significance for LAMA2-related muscular dystrophy. Last evaluated: 2021-06-15. Review status: criteria provided, single submitter. Criteria: Invitae Variant Classification Sherloc (09022015). Collection method: clinical testing. Allele origin: germline.
Comment: In summary, the available evidence is currently insufficient to determine the role of this variant in disease. Therefore, it has been classified as a Variant of Uncertain Significance. This variant is not present in population databases (ExAC no frequency). This sequence change replaces tyrosine with cysteine at codon 2827 of the LAMA2 protein (p.Tyr2827Cys). The tyrosine residue is highly conserved and there is a large physicochemical difference between tyrosine and cysteine. Algorithms developed to predict the effect of sequence changes on RNA splicing suggest that this variant may create or strengthen a splice site, but this prediction has not been confirmed by published transcriptional studies. Advanced modeling of protein sequence and biophysical properties (such as structural, functional, and spatial information, amino acid conservation, physicochemical variation, residue mobility, and thermodynamic stability) performed at Invitae indicates that this missense variant is not expected to disrupt LAMA2 protein function. This variant has not been reported in the literature in individuals with LAMA2-related conditions.

NM_000426.4(LAMA2):c.8480A>G (p.Tyr2827Cys)

Gene: LAMA2 (laminin subunit alpha 2; plus strand). Cytogenetic location: 6q22.33.
Variant type: single nucleotide variant.
Coding change: c.8480A>G on transcript NM_000426.4 (MANE Select); coding-DNA position 8480, A replaced by G.
Protein change: p.Tyr2827Cys; replaces tyrosine 2827 with cysteine.
Molecular consequence: missense variant.
Genome position (GRCh38, 1-based): chr6:129,503,213, A>G. VCF-style: chr6-129503213-A-G. GRCh37 (hg19) VCF-style: chr6-129824358-A-G.
Other names: c.8468A>G, p.Tyr2823Cys (NM_001079823.2); short protein forms Y2823C, Y2827C.
Identifiers: ClinVar variation 1491273 (VCV001491273.8), dbSNP rs1465903877, ClinGen allele CA365634251.